The following is an entry in ClinVar:

NM_000210.4(ITGA6):c.1549+1del

Genes: ITGA6 (integrin subunit alpha 6; plus strand), PDK1-AS1 (PDK1 and ITGA6 antisense RNA 1; minus strand). Cytogenetic location: 2q31.1.
Variant type: Deletion.
Coding change: c.1549+1del on transcript NM_000210.4 (MANE Select); the canonical splice donor site of the intron after coding-DNA position 1549, one base deleted (G; older notation c.1549+1delG).
Molecular consequence: splice donor variant.
Genome position (GRCh38, 1-based): chr2:172,480,052, G deleted. VCF-style (leftmost placement, unchanged base first): chr2-172480051-TG-T. GRCh37 (hg19) VCF-style: chr2-173344779-TG-T.
Other names: c.1192+1del (NM_001316306.2); c.1666+1del (NM_001394928.1); c.1549+1del (NM_001079818.3, NM_001365530.2, NM_001365529.2).
Identifiers: ClinVar variation 2758778 (VCV002758778.3), dbSNP rs2468336988, ClinGen allele CA2697551365.

ClinVar aggregate classification (germline): Likely pathogenic (1 of 4 stars; one submission).

Submission:

Labcorp Genetics (formerly Invitae), Labcorp
Classification: Likely pathogenic. Last evaluated: 2023-09-08. Review status: criteria provided, single submitter. Criteria: Invitae Variant Classification Sherloc (09022015). Collection method: clinical testing. Allele origin: germline.
Comment: In summary, the currently available evidence indicates that the variant is pathogenic, but additional data are needed to prove that conclusively. Therefore, this variant has been classified as Likely Pathogenic. Algorithms developed to predict the effect of sequence changes on RNA splicing suggest that this variant may disrupt the consensus splice site. This variant has not been reported in the literature in individuals affected with ITGA6-related conditions. This variant is not present in population databases (gnomAD no frequency). This sequence change affects a splice site in intron 11 of the ITGA6 gene. It is expected to disrupt RNA splicing. Variants that disrupt the donor or acceptor splice site typically lead to a loss of protein function (PMID: 16199547), and loss-of-function variants in ITGA6 are known to be pathogenic (PMID: 9158140, 9185503, 9804362, 27607025).

Literature cited by the submitters: PubMed 16199547; PubMed 9158140; PubMed 9185503; PubMed 9804362; PubMed 27607025.